The following is an entry in ClinVar:

NM_030665.4(RAI1):c.2009C>T (p.Ser670Phe)

Gene: RAI1 (retinoic acid induced 1; plus strand). Cytogenetic location: 17p11.2.
Variant type: single nucleotide variant.
Coding change: c.2009C>T on transcript NM_030665.4 (MANE Select); coding-DNA position 2009, C replaced by T.
Protein change: p.Ser670Phe; replaces serine 670 with phenylalanine.
Molecular consequence: missense variant.
Genome position (GRCh38, 1-based): chr17:17,794,957, C>T. VCF-style: chr17-17794957-C-T. GRCh37 (hg19) VCF-style: chr17-17698271-C-T.
Other names: short protein forms S670F.
Identifiers: ClinVar variation 3355970 (VCV003355970.4).

ClinVar aggregate classification (germline): Conflicting classifications of pathogenicity. Review status: criteria provided, conflicting classifications (1 of 4 stars). 3 submissions from 3 submitters: Uncertain significance (1); Benign (1). 1 of the submissions does not count toward it. Last evaluated 2024-12-24.

Conditions:
RAI1-related disorder. Also called: RAI1-related condition.
Smith-Magenis syndrome (SMS). Also called: CHROMOSOME 17p11.2 DELETION SYNDROME. Identifiers: Orphanet 819, MedGen C0795864, MONDO:0008434, OMIM 182290.

gnomAD v4.1: 5 of 1,613,662 alleles (0.00031%); highest among the groups gnomAD compares: Non-Finnish European, 0.00042%; no homozygotes.

Submissions (3):

Revvity Omics, Revvity
Classification: Uncertain significance for Smith-Magenis syndrome. Last evaluated: 2024-12-24. Review status: criteria provided, single submitter. Criteria: ACMG Guidelines, 2015. Collection method: clinical testing. Allele origin: germline.

Labcorp Genetics (formerly Invitae), Labcorp
Classification: Benign. Last evaluated: 2024-06-24. Review status: criteria provided, single submitter. Criteria: Invitae Variant Classification Sherloc (09022015). Collection method: clinical testing. Allele origin: germline.

PreventionGenetics, part of Exact Sciences
Classification: Uncertain significance for RAI1-related condition. Last evaluated: 2024-07-16. Review status: no assertion criteria provided. Collection method: clinical testing. Allele origin: germline. Not counted in ClinVar's aggregate classification.
Comment: The RAI1 c.2009C>T variant is predicted to result in the amino acid substitution p.Ser670Phe. To our knowledge, this variant has not been reported in the literature or in a large population database, indicating this variant is rare. At this time, the clinical significance of this variant is uncertain due to the absence of conclusive functional and genetic evidence.